The following is an entry in ClinVar:

ClinVar aggregate classification (germline): Pathogenic/Likely pathogenic. Review status: criteria provided, multiple submitters, no conflicts (2 of 4 stars). 3 submissions from 3 submitters: Pathogenic (1); Likely pathogenic (2). Last evaluated 2025-08-01.

Conditions:
Long QT syndrome (LQTS). Identifiers: MedGen C0023976, MeSH D008133, MONDO:0002442. Disease mechanism: loss of function. Inheritance: Various modes of inheritance.
Long QT syndrome 2 (LQT2). Identifiers: Orphanet 101016, Orphanet 768, MedGen C3150943, MONDO:0013367, OMIM 613688.

Submissions (3):

Labcorp Genetics (formerly Invitae), Labcorp
Classification: Likely pathogenic for Long QT syndrome. Last evaluated: 2025-08-01. Review status: criteria provided, single submitter. Criteria: Invitae Variant Classification Sherloc (09022015). Collection method: clinical testing. Allele origin: germline.
Comment: This sequence change affects a donor splice site in intron 9 of the KCNH2 gene. It is expected to disrupt RNA splicing. Variants that disrupt the donor or acceptor splice site typically lead to a loss of protein function (PMID: 16199547), and loss-of-function variants in KCNH2 are known to be pathogenic (PMID: 10973849, 19862833). This variant is not present in population databases (gnomAD no frequency). Disruption of this splice site has been observed in individual(s) with long QT syndrome (PMID: 7889573, 19716085, 36861347). ClinVar contains an entry for this variant (Variation ID: 372377). Algorithms developed to predict the effect of sequence changes on RNA splicing suggest that this variant may disrupt the consensus splice site. In summary, the currently available evidence indicates that the variant is pathogenic, but additional data are needed to prove that conclusively. Therefore, this variant has been classified as Likely Pathogenic.

Institute of Medical Genetics and Applied Genomics, University Hospital Tübingen
Classification: Likely pathogenic for Long QT syndrome 2. Last evaluated: 2023-08-21. Review status: criteria provided, single submitter. Criteria: ACMG Guidelines, 2015. Collection method: clinical testing. Allele origin: germline. Inheritance: Autosomal dominant inheritance. Affected: yes.

GeneDx
Classification: Pathogenic. Last evaluated: 2017-04-28. Review status: criteria provided, single submitter. Criteria: GeneDx Variant Classification (06012015). Collection method: clinical testing. Allele origin: germline. Affected: yes.
Comment: The c.2398+1 G>T pathogenic variant in the KCNH2 gene has been reported in association with LQTS (Kapplinger J et al., 2009). Kapplinger et al. (2009) identified c.2398+1 G>T in one individual with LQTS and was absent from more than 2600 alleles from control individuals. This variant destroys the canonical splice donor site in intron 9 and is predicted to cause abnormal gene splicing. The variant is predicted to lead to either an abnormal message that is subject to nonsense-mediated mRNA decay, or to an abnormal protein product if the message is used for protein translation. Another splice site variant at the same nucleotide position in the KCNH2 gene (c.2398+1 G>C) has also been reported in association with LQTS (Curran M et al., 1995). Furthermore, c.2398+1 G>T was not observed in approximately 6,500 individuals of European and African American ancestry in the NHLBI Exome Sequencing Project, indicating it is not a common benign variant in these populations. In summary, c.2398+1 G>T in the KCNH2 gene is interpreted as a pathogenic variant.

Literature cited by the submitters: PubMed 16199547 (cited by Labcorp Genetics (formerly Invitae), Labcorp); PubMed 10973849 (cited by Labcorp Genetics (formerly Invitae), Labcorp); PubMed 19862833 (cited by Labcorp Genetics (formerly Invitae), Labcorp); PubMed 7889573 (cited by Labcorp Genetics (formerly Invitae), Labcorp); PubMed 19716085 (cited by Labcorp Genetics (formerly Invitae), Labcorp); PubMed 36861347 (cited by Labcorp Genetics (formerly Invitae), Labcorp).

NM_000238.4(KCNH2):c.2398+1G>T

Gene: KCNH2 (potassium voltage-gated channel subfamily H member 2; minus strand). Cytogenetic location: 7q36.1.
Variant type: single nucleotide variant.
Coding change: c.2398+1G>T on transcript NM_000238.4 (MANE Select); the canonical splice donor site of the intron after coding-DNA position 2398, G replaced by T.
Molecular consequence: splice donor variant. On other transcripts: missense variant (5).
Genome position (GRCh38, 1-based): chr7:150,950,167, C>A on the plus strand (G>T on the coding strand, the complement: KCNH2 is on the minus strand). VCF-style: chr7-150950167-C-A. GRCh37 (hg19) VCF-style: chr7-150647255-C-A.
Other names: c.1379G>T, p.Gly460Val (NM_001204798.2); c.2222G>T, p.Gly741Val (NM_001406755.1); c.2111G>T, p.Gly704Val (NM_001406756.1); c.2099G>T, p.Gly700Val (NM_001406757.1); c.2399G>T, p.Gly800Val (NM_172056.3); c.2110+1G>T (NM_001406753.1); c.1378+1G>T (NM_172057.3); short protein forms G800V, G460V, G741V, G700V, G704V.
Identifiers: ClinVar variation 372377 (VCV000372377.12), dbSNP rs794728391, ClinGen allele CA16042692.